The following is an entry in ClinVar:

NM_001374353.1(GLI2):c.296_298del (p.Ser99del)

Gene: GLI2 (GLI family zinc finger 2; plus strand). Cytogenetic location: 2q14.2.
Variant type: Deletion.
Coding change: c.296_298del on transcript NM_001374353.1 (MANE Select); coding-DNA positions 296 to 298, 3 bases deleted (CCT; older notation c.296_298delCCT).
Protein change: p.Ser99del; deletes serine 99.
Molecular consequence: inframe deletion. On other transcripts: 5 prime UTR variant (1).
Genome position (GRCh38, 1-based): chr2:120,951,284-120,951,286, CCT deleted; deleting any 3 consecutive bases within chr2:120,951,282-120,951,286 gives the same sequence; the c. name uses the placement nearest the transcript's 3' end. VCF-style (leftmost placement, unchanged base first): chr2-120951281-TCTC-T. GRCh37 (hg19) VCF-style: chr2-121708857-TCTC-T.
Other names: c.296_298del, p.Ser99del (NM_001371271.1, NM_005270.5); c.-80_-78del (NM_001374354.1); short protein forms S99del.
Identifiers: ClinVar variation 4886320 (VCV004886320.2).

ClinVar aggregate classification (germline): Uncertain significance (1 of 4 stars; one submission).

Submission:

Dasa
Classification: Uncertain significance. Last evaluated: 2025-05-18. Review status: criteria provided, single submitter. Criteria: DASA Assertion Criteria. Collection method: clinical testing. Allele origin: germline.
Comment: NM_001374353.1(GLI2):c.296_298del (p.Ser99del) is an in-frame deletion predicted to remove serine at protein position 99 without shifting the reading frame. This variant is absent from population databases. The currently available literature and clinical evidence are not sufficient to establish a definitive association between this variant and the reported condition. Therefore, this variant is classified as a variant of uncertain significance.